The following is an entry in ClinVar:

NM_003873.7(NRP1):c.1925-3A>C

Gene: NRP1 (neuropilin 1; minus strand). Cytogenetic location: 10p11.22.
Variant type: single nucleotide variant.
Coding change: c.1925-3A>C on transcript NM_003873.7 (MANE Select); 3 bases into the intron before coding-DNA position 1925, A replaced by C.
Molecular consequence: intron variant.
Genome position (GRCh38, 1-based): chr10:33,192,421, T>G on the plus strand (A>C on the coding strand, the complement: NRP1 is on the minus strand). VCF-style: chr10-33192421-T-G. GRCh37 (hg19) VCF-style: chr10-33481349-T-G.
Other names: c.1904-3A>C (NM_001244973.2, NM_001244972.2); c.1925-3A>C (NM_001330068.2).
Identifiers: ClinVar variation 3032284 (VCV003032284.2), dbSNP rs371729403, ClinGen allele CA5466298.

ClinVar aggregate classification (germline): Uncertain significance (0 of 4 stars; one submission).

Conditions:
NRP1-related disorder. Also called: NRP1-related condition.

Allele frequency attached by ClinVar (database versions not stated): gnomAD 0.00001; ExAC 0.00002; TOPMed 0.00003; ESP Exome Variant Server 0.00008.
gnomAD v4.1: 15 of 1,612,836 alleles (0.00093%); highest among the groups gnomAD compares: Non-Finnish European, 0.0012%; no homozygotes.

Submission:

PreventionGenetics, part of Exact Sciences
Classification: Uncertain significance for NRP1-related condition. Last evaluated: 2024-04-03. Review status: no assertion criteria provided. Collection method: clinical testing. Allele origin: germline.
Comment: The NRP1 c.1925-3A>C variant is predicted to interfere with splicing. Of note, based on available splicing prediction programs (Alamut Visual Plus v1.6.1), this variant is predicted to strengthen the splice site. However, such computer prediction programs are imperfect. To our knowledge, this variant has not been reported in the literature. This variant is reported in 0.0026% of alleles in individuals of European (Non-Finnish) descent in gnomAD. At this time, the clinical significance of this variant is uncertain due to the absence of conclusive functional and genetic evidence.